The following is an entry in ClinVar:

ClinVar aggregate classification (germline): Likely benign. Review status: criteria provided, multiple submitters, no conflicts (2 of 4 stars). 3 submissions from 3 submitters: Likely benign (2). 1 of the submissions does not count toward it. Last evaluated 2025-09-23.

Conditions:
PEX14-related disorder. Also called: PEX14-related condition.
Peroxisome biogenesis disorder, complementation group K (CGK). Identifiers: MedGen C1866257, MONDO:0800365.

Allele frequency attached by ClinVar (database versions not stated): gnomAD 0.00005; ExAC 0.00006; TOPMed 0.00008; gnomAD exomes 0.00010.
gnomAD v4.1: 59 of 1,612,876 alleles (0.0037%); highest among the groups gnomAD compares: Admixed American, 0.027%; no homozygotes.

Submissions (3):

Labcorp Genetics (formerly Invitae), Labcorp
Classification: Likely benign for Peroxisome biogenesis disorder, complementation group K. Last evaluated: 2025-09-23. Review status: criteria provided, single submitter. Criteria: Invitae Variant Classification Sherloc (09022015). Collection method: clinical testing. Allele origin: germline.

Blueprint Genetics
Classification: Likely benign. Last evaluated: 2023-01-31. Review status: criteria provided, single submitter. Criteria: ACMG Guidelines, 2015. Collection method: clinical testing. Allele origin: germline.

PreventionGenetics, part of Exact Sciences
Classification: Likely benign for PEX14-related condition. Last evaluated: 2024-06-22. Review status: no assertion criteria provided. Collection method: clinical testing. Allele origin: germline. Not counted in ClinVar's aggregate classification.
Comment: This variant is classified as likely benign based on ACMG/AMP sequence variant interpretation guidelines (Richards et al. 2015 PMID: 25741868, with internal and published modifications).

NM_004565.3(PEX14):c.1074C>T (p.Asn358=)

Gene: PEX14 (peroxisomal biogenesis factor 14; plus strand). Cytogenetic location: 1p36.22.
Variant type: single nucleotide variant.
Coding change: c.1074C>T on transcript NM_004565.3 (MANE Select); coding-DNA position 1074, C replaced by T.
Protein change: p.Asn358=; no amino-acid change (asparagine 358 retained).
Molecular consequence: synonymous variant.
Genome position (GRCh38, 1-based): chr1:10,629,927, C>T. VCF-style: chr1-10629927-C-T. GRCh37 (hg19) VCF-style: chr1-10689984-C-T.
Identifiers: ClinVar variation 762434 (VCV000762434.12), dbSNP rs765001984, ClinGen allele CA584027.